The following is an entry in ClinVar:

NM_002439.5(MSH3):c.3274G>C (p.Glu1092Gln)

Gene: MSH3 (mutS homolog 3; plus strand). Cytogenetic location: 5q14.1.
Variant type: single nucleotide variant.
Coding change: c.3274G>C on transcript NM_002439.5 (MANE Select); coding-DNA position 3274, G replaced by C.
Protein change: p.Glu1092Gln; replaces glutamic acid 1092 with glutamine.
Molecular consequence: missense variant.
Genome position (GRCh38, 1-based): chr5:80,873,259, G>C. VCF-style: chr5-80873259-G-C. GRCh37 (hg19) VCF-style: chr5-80169078-G-C.
Other names: short protein forms E1092Q.
Identifiers: ClinVar variation 2999884 (VCV002999884.3), dbSNP rs2112128927, ClinGen allele CA360347089.

ClinVar aggregate classification (germline): Uncertain significance (1 of 4 stars; one submission).

Submission:

Labcorp Genetics (formerly Invitae), Labcorp
Classification: Uncertain significance. Last evaluated: 2023-12-26. Review status: criteria provided, single submitter. Criteria: Invitae Variant Classification Sherloc (09022015). Collection method: clinical testing. Allele origin: germline.
Comment: This sequence change replaces glutamic acid, which is acidic and polar, with glutamine, which is neutral and polar, at codon 1092 of the MSH3 protein (p.Glu1092Gln). This variant is not present in population databases (gnomAD no frequency). This variant has not been reported in the literature in individuals affected with MSH3-related conditions. An algorithm developed to predict the effect of missense changes on protein structure and function (PolyPhen-2) suggests that this variant is likely to be disruptive. In summary, the available evidence is currently insufficient to determine the role of this variant in disease. Therefore, it has been classified as a Variant of Uncertain Significance.